The following is an entry in ClinVar:

ClinVar aggregate classification (germline): Uncertain significance. Review status: criteria provided, multiple submitters, no conflicts (2 of 4 stars). 2 submissions from 2 submitters: Uncertain significance (2). Last evaluated 2025-01-22.

Conditions:
Inborn genetic diseases. Identifiers: MedGen C0950123, MeSH D030342.

Allele frequency attached by ClinVar (database versions not stated): gnomAD 0.00001; gnomAD exomes 0.00001 and 0.00011; TOPMed 0.00001; ExAC 0.00002.
gnomAD v4.1: 162 of 1,613,686 alleles (0.01%); highest among the groups gnomAD compares: Non-Finnish European, 0.013%; no homozygotes.

Submissions (2):

Labcorp Genetics (formerly Invitae), Labcorp
Classification: Uncertain significance. Last evaluated: 2025-01-22. Review status: criteria provided, single submitter. Criteria: Invitae Variant Classification Sherloc (09022015). Collection method: clinical testing. Allele origin: germline.
Comment: This sequence change replaces phenylalanine, which is neutral and non-polar, with leucine, which is neutral and non-polar, at codon 167 of the SCN3A protein (p.Phe167Leu). This variant is present in population databases (rs757345466, gnomAD 0.003%). This missense change has been observed in individual(s) with clinical features of SCN3A-related conditions (internal data). ClinVar contains an entry for this variant (Variation ID: 1062315). Invitae Evidence Modeling of protein sequence and biophysical properties (such as structural, functional, and spatial information, amino acid conservation, physicochemical variation, residue mobility, and thermodynamic stability) has been performed for this missense variant. However, the output from this modeling did not meet the statistical confidence thresholds required to predict the impact of this variant on SCN3A protein function. In summary, the available evidence is currently insufficient to determine the role of this variant in disease. Therefore, it has been classified as a Variant of Uncertain Significance.

Ambry Genetics
Classification: Uncertain significance for Inborn genetic diseases. Last evaluated: 2024-11-24. Review status: criteria provided, single submitter. Criteria: Ambry Variant Classification Scheme 2023. Collection method: clinical testing. Allele origin: germline.

NM_006922.4(SCN3A):c.501T>G (p.Phe167Leu)

Gene: SCN3A (sodium voltage-gated channel alpha subunit 3; minus strand). Cytogenetic location: 2q24.3.
Variant type: single nucleotide variant.
Coding change: c.501T>G on transcript NM_006922.4 (MANE Select); coding-DNA position 501, T replaced by G.
Protein change: p.Phe167Leu; replaces phenylalanine 167 with leucine.
Molecular consequence: missense variant.
Genome position (GRCh38, 1-based): chr2:165,164,493, A>C on the plus strand (T>G on the coding strand, the complement: SCN3A is on the minus strand). VCF-style: chr2-165164493-A-C. GRCh37 (hg19) VCF-style: chr2-166021003-A-C.
Other names: c.501T>G (NM_006922.3); c.501T>G, p.Phe167Leu (NM_001081676.2, NM_001081677.2); short protein forms F167L.
Identifiers: ClinVar variation 1062315 (VCV001062315.10), dbSNP rs757345466, ClinGen allele CA1939425.